The following is an entry in ClinVar:

NM_030928.4(CDT1):c.109C>T (p.Leu37Phe)

Genes: CDT1 (chromatin licensing and DNA replication factor 1; plus strand), LOC130059759 (ATAC-STARR-seq lymphoblastoid silent region 7878; plus strand). Cytogenetic location: 16q24.3.
Variant type: single nucleotide variant.
Coding change: c.109C>T on transcript NM_030928.4 (MANE Select); coding-DNA position 109, C replaced by T.
Protein change: p.Leu37Phe; replaces leucine 37 with phenylalanine.
Molecular consequence: missense variant.
Genome position (GRCh38, 1-based): chr16:88,803,940, C>T. VCF-style: chr16-88803940-C-T. GRCh37 (hg19) VCF-style: chr16-88870348-C-T.
Other names: short protein forms L37F.
Identifiers: ClinVar variation 2822042 (VCV002822042.3), dbSNP rs1171887495, ClinGen allele CA397070159.

ClinVar aggregate classification (germline): Uncertain significance (1 of 4 stars; one submission).

Submission:

Labcorp Genetics (formerly Invitae), Labcorp
Classification: Uncertain significance. Last evaluated: 2023-05-27. Review status: criteria provided, single submitter. Criteria: Invitae Variant Classification Sherloc (09022015). Collection method: clinical testing. Allele origin: germline.
Comment: In summary, the available evidence is currently insufficient to determine the role of this variant in disease. Therefore, it has been classified as a Variant of Uncertain Significance. An algorithm developed to predict the effect of missense changes on protein structure and function (PolyPhen-2) suggests that this variant is likely to be tolerated. This variant has not been reported in the literature in individuals affected with CDT1-related conditions. This variant is not present in population databases (gnomAD no frequency). This sequence change replaces leucine, which is neutral and non-polar, with phenylalanine, which is neutral and non-polar, at codon 37 of the CDT1 protein (p.Leu37Phe).